The following is an entry in ClinVar:

NM_004006.3(DMD):c.6236C>G (p.Ser2079Cys)

Gene: DMD (dystrophin; minus strand). Cytogenetic location: Xp21.1.
Variant type: single nucleotide variant.
Coding change: c.6236C>G on transcript NM_004006.3 (MANE Select); coding-DNA position 6236, C replaced by G.
Protein change: p.Ser2079Cys; replaces serine 2079 with cysteine.
Molecular consequence: missense variant.
Genome position (GRCh38, 1-based): chrX:32,287,583, G>C on the plus strand (C>G on the coding strand, the complement: DMD is on the minus strand). VCF-style: chrX-32287583-G-C. GRCh37 (hg19) VCF-style: chrX-32305700-G-C.
Other names: c.6212C>G, p.Ser2071Cys (NM_000109.4); c.6224C>G, p.Ser2075Cys (NM_004009.3); c.5867C>G, p.Ser1956Cys (NM_004010.3); c.2213C>G, p.Ser738Cys (NM_004011.4); c.2204C>G, p.Ser735Cys (NM_004012.4); short protein forms S2071C, S738C, S2075C, S735C, S1956C, S2079C.
Identifiers: ClinVar variation 4800955 (VCV004800955.1), dbSNP rs1242090695.
Genomic context (GRCh38, chrX:32,287,583, plus strand): 5'-ACCTACCCTTGTCGGTCCTTGTACATTTTGTTAACTTTTTCCCATTGGAAATCAAGCTGG[G>C]AGAGAGCTTCCTGTAGCTTCACCCTTTCCACAGGCGTTGCACTTTGCAATGCTGCTGTCT-3'
Protein context (NP_003997.2, residues 2069-2089): VERVKLQEAL[Ser2079Cys]QLDFQWEKVN

ClinVar aggregate classification (germline): Uncertain significance (1 of 4 stars; one submission).

Conditions:
Duchenne muscular dystrophy (DMD). Also called: Duchenne Muscular Dystrophy (DMD); MUSCULAR DYSTROPHY, PSEUDOHYPERTROPHIC PROGRESSIVE, DUCHENNE TYPE. Identifiers: Orphanet 98896, MedGen C0013264, MONDO:0010679, OMIM 310200.

Allele frequency attached by ClinVar (database versions not stated): TOPMed below 0.00001.

Submission:

Labcorp Genetics (formerly Invitae), Labcorp
Classification: Uncertain significance for Duchenne muscular dystrophy. Last evaluated: 2025-10-13. Review status: criteria provided, single submitter. Criteria: Invitae Variant Classification Sherloc (09022015). Collection method: clinical testing. Allele origin: germline.
Comment: This sequence change replaces serine, which is neutral and polar, with cysteine, which is neutral and slightly polar, at codon 2079 of the DMD protein (p.Ser2079Cys). This variant is not present in population databases (gnomAD no frequency). This variant has not been reported in the literature in individuals affected with DMD-related conditions. Invitae Evidence Modeling of protein sequence and biophysical properties (such as structural, functional, and spatial information, amino acid conservation, physicochemical variation, residue mobility, and thermodynamic stability) indicates that this missense variant is not expected to disrupt DMD protein function with a negative predictive value of 95%. In summary, the available evidence is currently insufficient to determine the role of this variant in disease. Therefore, it has been classified as a Variant of Uncertain Significance.